The following is an entry in ClinVar:

NM_001371623.1(TCOF1):c.1623GGA[2] (p.Glu543del)

Gene: TCOF1 (treacle ribosome biogenesis factor 1; plus strand). Cytogenetic location: 5q32.
Variant type: Microsatellite.
Coding change: c.1623GGA[2] on transcript NM_001371623.1 (MANE Select); two copies in a row of the 3-base unit GGA starting at c.1623; the reference has three copies in a row; one copy, 3 bases deleted.
Protein change: p.Glu543del; deletes glutamic acid 543.
Molecular consequence: inframe deletion.
Genome position (GRCh38, 1-based): chr5:150,375,479-150,375,481, GGA deleted; deleting any 3 consecutive bases within chr5:150,375,473-150,375,481 gives the same sequence; the position shown is the placement nearest the transcript's 3' end. VCF-style (leftmost placement, unchanged base first): chr5-150375472-GGGA-G. GRCh37 (hg19) VCF-style: chr5-149755035-GGGA-G.
Other names: c.1392GGA[2], p.Glu466del (NM_000356.4, NM_001135245.2); c.1623GGA[2], p.Glu543del (NM_001008657.3, NM_001135243.2, NM_001135244.2 and 1 more transcripts); short protein forms E466del, E543del.
Identifiers: ClinVar variation 1440632 (VCV001440632.8), dbSNP rs1159384975, ClinGen allele CA563956737.

ClinVar aggregate classification (germline): Uncertain significance (1 of 4 stars; one submission).

Conditions:
Treacher Collins syndrome 1 (TCS1). Also called: TCOF1-Related Treacher Collins Syndrome. Identifiers: Orphanet 861, MedGen CN315775, MONDO:0007944, OMIM 154500.

Submission:

Labcorp Genetics (formerly Invitae), Labcorp
Classification: Uncertain significance for Treacher Collins syndrome 1. Last evaluated: 2021-06-22. Review status: criteria provided, single submitter. Criteria: Invitae Variant Classification Sherloc (09022015). Collection method: clinical testing. Allele origin: germline.
Comment: This variant is not present in population databases (ExAC no frequency). This variant, c.1629_1631del, results in the deletion of 1 amino acid(s) of the TCOF1 protein (p.Glu543del), but otherwise preserves the integrity of the reading frame. This variant has not been reported in the literature in individuals affected with TCOF1-related conditions. This variant has been observed in at least one individual who was not affected with TCOF1-related conditions (Invitae). Experimental studies and prediction algorithms are not available or were not evaluated, and the functional significance of this variant is currently unknown. In summary, the available evidence is currently insufficient to determine the role of this variant in disease. Therefore, it has been classified as a Variant of Uncertain Significance.